The following is an entry in ClinVar:

NM_000845.3(GRM8):c.693T>C (p.Gly231=)

Gene: GRM8 (glutamate metabotropic receptor 8; minus strand). Cytogenetic location: 7q31.33.
Variant type: single nucleotide variant.
Coding change: c.693T>C on transcript NM_000845.3 (MANE Select); coding-DNA position 693, T replaced by C.
Protein change: p.Gly231=; no amino-acid change (glycine 231 retained).
Molecular consequence: synonymous variant. On other transcripts: non-coding transcript variant (3).
Genome position (GRCh38, 1-based): chr7:127,106,530, A>G on the plus strand (T>C on the coding strand, the complement: GRM8 is on the minus strand). VCF-style: chr7-127106530-A-G. GRCh37 (hg19) VCF-style: chr7-126746584-A-G.
Other names: c.693T>C, p.Gly231= (NM_001127323.1, NM_001371083.1, NM_001371084.1 and 3 more transcripts); c.78T>C, p.Gly26= (NM_001371087.1).
Identifiers: ClinVar variation 776257 (VCV000776257.7), dbSNP rs17866780, ClinGen allele CA4466131.

ClinVar aggregate classification (germline): Benign. Review status: criteria provided, multiple submitters, no conflicts (2 of 4 stars). 3 submissions from 3 submitters: Benign (2). 1 of the submissions does not count toward it. Last evaluated 2019-12-31.

Conditions:
GRM8-related disorder. Also called: GRM8-related condition.

Allele frequency attached by ClinVar (database versions not stated): gnomAD exomes 0.00131 and 0.00324; ExAC 0.00406; gnomAD 0.01331 and 0.01437; 1000 Genomes Project 0.01378; 1000 Genomes Project 30x 0.01437; ESP Exome Variant Server 0.01461; TOPMed 0.01484.
gnomAD v4.1: 4,007 of 1,613,954 alleles (0.25%); highest among the groups gnomAD compares: African/African-American, 4.6%; 85 homozygotes.

Submissions (3):

Labcorp Genetics (formerly Invitae), Labcorp
Classification: Benign. Last evaluated: 2019-12-31. Review status: criteria provided, single submitter. Criteria: Invitae Variant Classification Sherloc (09022015). Collection method: clinical testing. Allele origin: germline.

Breakthrough Genomics
Classification: Benign. Review status: criteria provided, single submitter. Criteria: ACMG Guidelines, 2015. Collection method: not provided. Allele origin: germline. Inheritance: Unknown mechanism. Affected: yes.

PreventionGenetics, part of Exact Sciences
Classification: Benign for GRM8-related condition. Last evaluated: 2019-10-29. Review status: no assertion criteria provided. Collection method: clinical testing. Allele origin: germline. Not counted in ClinVar's aggregate classification.
Comment: This variant is classified as benign based on ACMG/AMP sequence variant interpretation guidelines (Richards et al. 2015 PMID: 25741868, with internal and published modifications).